The following is an entry in ClinVar:

ClinVar aggregate classification (germline): Pathogenic (1 of 4 stars; one submission).

Submission:

GeneDx
Classification: Pathogenic. Last evaluated: 2024-03-19. Review status: criteria provided, single submitter. Criteria: GeneDx Variant Classification Process June 2021. Collection method: clinical testing. Allele origin: germline. Affected: yes.
Comment: Nonsense variant predicted to result in protein truncation or nonsense mediated decay in a gene for which loss of function is a known mechanism of disease; Not observed in large population cohorts (gnomAD); Has not been previously published as pathogenic or benign to our knowledge

NM_000284.4(PDHA1):c.783C>A (p.Cys261Ter)

Gene: PDHA1 (pyruvate dehydrogenase E1 subunit alpha 1; plus strand). Cytogenetic location: Xp22.12.
Variant type: single nucleotide variant.
Coding change: c.783C>A on transcript NM_000284.4 (MANE Select); coding-DNA position 783, C replaced by A.
Protein change: p.Cys261Ter; replaces cysteine 261 with a stop codon.
Molecular consequence: nonsense.
Genome position (GRCh38, 1-based): chrX:19,355,709, C>A. VCF-style: chrX-19355709-C-A. GRCh37 (hg19) VCF-style: chrX-19373827-C-A.
Other names: c.897C>A, p.Cys299Ter (NM_001173454.2); c.804C>A, p.Cys268Ter (NM_001173455.2); c.690C>A, p.Cys230Ter (NM_001173456.2); short protein forms C230*, C261*, C268*, C299*.
Identifiers: ClinVar variation 3340647 (VCV003340647.1).